The following is an entry in ClinVar:

ClinVar aggregate classification (germline): Uncertain significance (1 of 4 stars; one submission).

Conditions:
Developmental and epileptic encephalopathy, 30 (DEE30). Also called: Epileptic encephalopathy, early infantile, 30. Identifiers: MedGen C4225360, MONDO:0014595, OMIM 616341.

Allele frequency attached by ClinVar (database versions not stated): gnomAD exomes below 0.00001.

Submission:

Labcorp Genetics (formerly Invitae), Labcorp
Classification: Uncertain significance for Developmental and epileptic encephalopathy, 30. Last evaluated: 2023-07-07. Review status: criteria provided, single submitter. Criteria: Invitae Variant Classification Sherloc (09022015). Collection method: clinical testing. Allele origin: germline.
Comment: In summary, the available evidence is currently insufficient to determine the role of this variant in disease. Therefore, it has been classified as a Variant of Uncertain Significance. Advanced modeling of protein sequence and biophysical properties (such as structural, functional, and spatial information, amino acid conservation, physicochemical variation, residue mobility, and thermodynamic stability) performed at Invitae indicates that this missense variant is not expected to disrupt SIK1 protein function. ClinVar contains an entry for this variant (Variation ID: 1347894). This missense change has been observed in individual(s) with SIK1-related conditions (Invitae). The frequency data for this variant in the population databases is considered unreliable, as metrics indicate poor data quality at this position in the gnomAD database. This sequence change replaces proline, which is neutral and non-polar, with arginine, which is basic and polar, at codon 11 of the SIK1 protein (p.Pro11Arg).

NM_173354.5(SIK1):c.32C>G (p.Pro11Arg)

Gene: SIK1 (salt inducible kinase 1; minus strand). Cytogenetic location: 21q22.3.
Variant type: single nucleotide variant.
Coding change: c.32C>G on transcript NM_173354.5 (MANE Select); coding-DNA position 32, C replaced by G.
Protein change: p.Pro11Arg; replaces proline 11 with arginine.
Molecular consequence: missense variant.
Genome position (GRCh38, 1-based): chr21:43,426,147, G>C on the plus strand (C>G on the coding strand, the complement: SIK1 is on the minus strand). VCF-style: chr21-43426147-G-C. GRCh37 (hg19) VCF-style: chr21-44846027-G-C.
Other names: short protein forms P11R.
Identifiers: ClinVar variation 1347894 (VCV001347894.6), dbSNP rs1354502264, ClinGen allele CA410611155.